The following is an entry in ClinVar:

ClinVar aggregate classification (germline): Uncertain significance. Review status: criteria provided, multiple submitters, no conflicts (2 of 4 stars). 3 submissions from 3 submitters: Uncertain significance (3). Last evaluated 2025-01-12.

Conditions:
Hereditary spastic paraplegia 30. Identifiers: Orphanet 101010, MedGen C5235139, MONDO:0012476.
Neuropathy, hereditary sensory, type 2C. Also called: Hereditary sensory and autonomic neuropathy type IIC; KIF1A-Related HSAN2 (HSAN2C). Identifiers: Orphanet 970, MedGen C3280168, MONDO:0013634, OMIM 614213.
Intellectual disability, autosomal dominant 9 (NESCAVS). Also called: NESCAV SYNDROME; KIF1A-Related Neurodevelopmental Disorder. Identifiers: Orphanet 662367, MedGen C5393830, MONDO:0013656, OMIM 614255.

Allele frequency attached by ClinVar (database versions not stated): gnomAD exomes below 0.00001.
gnomAD v4.1: 4 of 1,589,962 alleles (0.00025%); highest among the groups gnomAD compares: Non-Finnish European, 0.00034%; no homozygotes.

Submissions (3):

Labcorp Genetics (formerly Invitae), Labcorp
Classification: Uncertain significance for Hereditary spastic paraplegia 30; Neuropathy, hereditary sensory, type 2C; Intellectual disability, autosomal dominant 9. Last evaluated: 2025-01-12. Review status: criteria provided, single submitter. Criteria: Invitae Variant Classification Sherloc (09022015). Collection method: clinical testing. Allele origin: germline.
Comment: This sequence change replaces arginine, which is basic and polar, with glutamine, which is neutral and polar, at codon 1176 of the KIF1A protein (p.Arg1176Gln). This variant is not present in population databases (gnomAD no frequency). This variant has not been reported in the literature in individuals affected with KIF1A-related conditions. ClinVar contains an entry for this variant (Variation ID: 855893). Invitae Evidence Modeling of protein sequence and biophysical properties (such as structural, functional, and spatial information, amino acid conservation, physicochemical variation, residue mobility, and thermodynamic stability) indicates that this missense variant is not expected to disrupt KIF1A protein function with a negative predictive value of 95%. In summary, the available evidence is currently insufficient to determine the role of this variant in disease. Therefore, it has been classified as a Variant of Uncertain Significance.

Blueprint Genetics
Classification: Uncertain significance. Last evaluated: 2021-08-20. Review status: criteria provided, single submitter. Criteria: ACMG Guidelines, 2015. Collection method: clinical testing. Allele origin: germline.

CENTOGENE GmbH and LLC - Guiding Precision Medicine
Classification: Uncertain significance for Spastic paraplegia 30A, autosomal dominant. Last evaluated: 2020-11-10. Review status: criteria provided, single submitter. Criteria: ACMG Guidelines, 2015. Collection method: clinical testing. Allele origin: germline.

NM_001244008.2(KIF1A):c.3830G>A (p.Arg1277Gln)

Genes: KIF1A (kinesin family member 1A; minus strand), LOC126806583 (P300/CBP strongly-dependent group 1 enhancer GRCh37_chr2:241678910-241680109; plus strand). Cytogenetic location: 2q37.3.
Variant type: single nucleotide variant.
Coding change: c.3830G>A on transcript NM_001244008.2 (MANE Select); coding-DNA position 3830, G replaced by A.
Protein change: p.Arg1277Gln; replaces arginine 1277 with glutamine.
Molecular consequence: missense variant.
Genome position (GRCh38, 1-based): chr2:240,740,129, C>T on the plus strand (G>A on the coding strand, the complement: KIF1A is on the minus strand). VCF-style: chr2-240740129-C-T. GRCh37 (hg19) VCF-style: chr2-241679546-C-T.
Other names: c.3905G>A, p.Arg1302Gln (NM_001379631.1); c.3779G>A, p.Arg1260Gln (NM_001379632.1); c.3527G>A, p.Arg1176Gln (NM_001379641.1, NM_001379649.1, NM_001379636.1 and 5 more transcripts); c.3803G>A, p.Arg1268Gln (NM_001379642.1, NM_001379645.1, NM_001379633.1); c.3629G>A, p.Arg1210Gln (NM_001379646.1, NM_001330290.2, NM_001379634.1 and 1 more transcripts); c.3602G>A, p.Arg1201Gln (NM_001379648.1, NM_001379637.1); c.3554G>A, p.Arg1185Gln (NM_001379638.1, NM_001320705.2, NM_001330289.2); c.3524G>A, p.Arg1175Gln (NM_001379640.1); short protein forms R1185Q, R1176Q, R1277Q, R1210Q, R1201Q, R1260Q, R1175Q, R1268Q.
Identifiers: ClinVar variation 855893 (VCV000855893.12), dbSNP rs2047780090, ClinGen allele CA351314555.
Genomic context (GRCh38, chr2:240,740,129, plus strand): 5'-TCGCGCACTTCCTTCCAGCGGATATGGCTGCCTGTCTCATGCAGTAGTGTCACCGTAATC[C>T]GTCGCTGGATGCCCTGCCGGTGCCAGGTGAGAGGATATGGTCAGACGGCTCAGGGGGCTA-3'
Protein context (NP_001230937.1, residues 1267-1287): TFLLHQGIQR[Arg1277Gln]ITVTLLHETG